The following is an entry in ClinVar:

NM_003183.6(ADAM17):c.74G>A (p.Gly25Asp)

Gene: ADAM17 (ADAM metallopeptidase domain 17; minus strand). Cytogenetic location: 2p25.1.
Variant type: single nucleotide variant.
Coding change: c.74G>A on transcript NM_003183.6 (MANE Select); coding-DNA position 74, G replaced by A.
Protein change: p.Gly25Asp; replaces glycine 25 with aspartic acid.
Molecular consequence: missense variant. On other transcripts: 5 prime UTR variant (2).
Genome position (GRCh38, 1-based): chr2:9,555,532, C>T on the plus strand (G>A on the coding strand, the complement: ADAM17 is on the minus strand). VCF-style: chr2-9555532-C-T. GRCh37 (hg19) VCF-style: chr2-9695661-C-T.
Other names: c.-607G>A (NM_001382777.1); c.-849G>A (NM_001382778.1); short protein forms G25D.
Identifiers: ClinVar variation 1387927 (VCV001387927.5), dbSNP rs2125049728, ClinGen allele CA345789944.

ClinVar aggregate classification (germline): Uncertain significance (1 of 4 stars; one submission).

Conditions:
Inflammatory skin and bowel disease, neonatal, 1. Identifiers: Orphanet 294023, MedGen C3280501, MONDO:0013693, OMIM 614328.

Allele frequency attached by ClinVar (database versions not stated): gnomAD exomes below 0.00001.
gnomAD v4.1: 4 of 1,601,284 alleles (0.00025%); highest among the groups gnomAD compares: Non-Finnish European, 0.00034%; no homozygotes.

Submission:

Labcorp Genetics (formerly Invitae), Labcorp
Classification: Uncertain significance for Inflammatory skin and bowel disease, neonatal, 1. Last evaluated: 2020-12-20. Review status: criteria provided, single submitter. Criteria: Invitae Variant Classification Sherloc (09022015). Collection method: clinical testing. Allele origin: germline.
Comment: In summary, the available evidence is currently insufficient to determine the role of this variant in disease. Therefore, it has been classified as a Variant of Uncertain Significance. Algorithms developed to predict the effect of missense changes on protein structure and function output the following: SIFT: "Not Available"; PolyPhen-2: "Benign"; Align-GVGD: "Not Available". The aspartic acid amino acid residue is found in multiple mammalian species, suggesting that this missense change does not adversely affect protein function. These predictions have not been confirmed by published functional studies and their clinical significance is uncertain. This sequence change replaces glycine with aspartic acid at codon 25 of the ADAM17 protein (p.Gly25Asp). The glycine residue is weakly conserved and there is a moderate physicochemical difference between glycine and aspartic acid. This variant is not present in population databases (ExAC no frequency). This variant has not been reported in the literature in individuals with ADAM17-related conditions.